The following is an entry in ClinVar:

NC_000005.10:g.112707346G>T

Gene: APC (APC regulator of Wnt signaling pathway; plus strand). Cytogenetic location: 5q22.2.
Variant type: single nucleotide variant.
Genome position: GRCh38 VCF-style: chr5-112707346-G-T. GRCh37 (hg19) VCF-style: chr5-112043043-G-T.
Identifiers: ClinVar variation 1345341 (VCV001345341.6), dbSNP rs1232455560, ClinGen allele CA2573138735.
Genomic context (GRCh38, chr5:112,707,346, plus strand): 5'-GTGTGCAGAAGGATCTATTAACTGGGCTGCAGCACAATTCAGAGAAGGCCAGTAAGTGCT[G>T]CAACTGAGACTCGGCTGCCTAGGCAGCAATGGCTCACGGGACAGAACAGCGAAGCAGTGC-3'

ClinVar aggregate classification (germline): Uncertain significance (1 of 4 stars; one submission).

Conditions:
Familial adenomatous polyposis 1 (FAP1). Also called: FAMILIAL ADENOMATOUS POLYPOSIS 1, ATTENUATED; POLYPOSIS, ADENOMATOUS INTESTINAL. Identifiers: MedGen C2713442, MONDO:0021056, OMIM 175100. Disease mechanism: loss of function.

Submission:

Labcorp Genetics (formerly Invitae), Labcorp
Classification: Uncertain significance for Familial adenomatous polyposis 1. Last evaluated: 2024-05-06. Review status: criteria provided, single submitter. Criteria: Invitae Variant Classification Sherloc (09022015). Collection method: clinical testing. Allele origin: germline.
Comment: This variant occurs in a non-coding region of the APC gene. It does not change the encoded amino acid sequence of the APC protein. This variant is not present in population databases (gnomAD no frequency). This variant has not been reported in the literature in individuals affected with APC-related conditions. Experimental studies and prediction algorithms are not available or were not evaluated, and the functional significance of this variant is currently unknown. In summary, the available evidence is currently insufficient to determine the role of this variant in disease. Therefore, it has been classified as a Variant of Uncertain Significance.